The following is an entry in ClinVar:

ClinVar aggregate classification (germline): Benign/Likely benign. Review status: criteria provided, multiple submitters, no conflicts (2 of 4 stars). 9 submissions from 8 submitters: Benign (2); Likely benign (7). Last evaluated 2026-01-25.

Conditions:
Cardiovascular phenotype. Identifiers: MedGen CN230736.
RASopathy. Also called: Noonan spectrum disorder; rasopathies. Identifiers: Orphanet 536391, MedGen C5555857, MONDO:0021060.
Fibromatosis, gingival, 1 (GINGF1). Identifiers: Orphanet 2024, MedGen C4551558, MONDO:0007609, OMIM 135300.
Noonan syndrome 4 (NS4). Also called: SOS1-Related Noonan Syndrome; NOONAN SYNDROME WITH PIGMENTED VILLONODULAR SYNOVITIS. Identifiers: Orphanet 648, MedGen C1853120, MONDO:0012547, OMIM 610733.

Allele frequency attached by ClinVar (database versions not stated): TOPMed 0.00012; gnomAD exomes 0.00006; ExAC 0.00008; ESP Exome Variant Server 0.00008; gnomAD 0.00011.
gnomAD v4.1: 105 of 1,604,444 alleles (0.0065%); highest among the groups gnomAD compares: Non-Finnish European, 0.0081%; no homozygotes.

Submissions (9):

Labcorp Genetics (formerly Invitae), Labcorp
Classification: Likely benign for RASopathy. Last evaluated: 2026-01-25. Review status: criteria provided, single submitter. Criteria: Invitae Variant Classification Sherloc (09022015). Collection method: clinical testing. Allele origin: germline.

ARUP Laboratories, Molecular Genetics and Genomics, ARUP Laboratories
Classification: Likely benign. Last evaluated: 2023-12-15. Review status: criteria provided, single submitter. Criteria: ARUP Molecular Germline Variant Investigation Process 2024. Collection method: clinical testing. Allele origin: germline.

Fulgent Genetics
Classification: Likely benign for Fibromatosis, gingival, 1; Noonan syndrome 4. Last evaluated: 2021-08-20. Review status: criteria provided, single submitter. Criteria: ACMG Guidelines, 2015. Collection method: clinical testing. Allele origin: unknown.

Ambry Genetics
Classification: Likely benign for Cardiovascular phenotype. Last evaluated: 2020-03-09. Review status: criteria provided, single submitter. Criteria: Ambry Variant Classification Scheme 2023. Collection method: clinical testing. Allele origin: germline.

Women's Health and Genetics/Laboratory Corporation of America, LabCorp
Classification: Benign. Last evaluated: 2016-05-23. Review status: criteria provided, single submitter. Criteria: LabCorp Variant Classification Summary - May 2015. Collection method: clinical testing. Allele origin: germline.
Comment: Variant summary: The SOS1 c.3357C>T (p.Thr1119Thr) variant causes a synonymous change involving a conserved nucleotide with 5/5 splice prediction tools predicting no significant effect on splicing and ESE finder predicting that this variant may create a new affect ESE site of, although these predictions have yet to be functionally assessed. This variant was observed in the large, broad control population, ExAC, with an allele frequency of 9/118630 (1/13175, frequency: 0.0000759), predominantly in the European (Non-Finnish) cohort, 8/65198 (1/8149), which significantly exceeds the estimated maximal expected allele frequency for a pathogenic SOS1 variant of 1/33333 (0.00003). Therefore, suggesting that the variant is a common polymorphism found in population(s) of European (Non-Finnish) origin. A publication cites the variant to have been found in at least one affected individual, although with limited information (ie lack of co-occurrence cosegregation data). In addition, a reputable clinical laboratory cites the variant as "likely benign." Therefore, taking all available lines of evidence into consideration, the variant of interest is classified as Benign.

Laboratory for Molecular Medicine, Mass General Brigham Personalized Medicine
Classification: Likely benign. Last evaluated: 2015-10-16. Review status: criteria provided, single submitter. Criteria: LMM Criteria. Collection method: clinical testing. Allele origin: germline. Observed: 1 variant allele.
Comment: p.Thr1119Thr in exon 21 of SOS1: This variant is not expected to have clinical s ignificance because it does not alter an amino acid residue and is not located w ithin the splice consensus sequence. It has been identified in 8/65198 European chromosomes by the Exome Aggregation Consortium (ExAC; dbSNP rs373319212).

GeneDx
Classification: Benign. Last evaluated: 2015-03-03. Review status: criteria provided, single submitter. Criteria: GeneDx Variant Classification Process June 2021. Collection method: clinical testing. Allele origin: germline. Affected: yes.

Genome-Nilou Lab
Classification: Likely benign for Noonan syndrome 4. Review status: criteria provided, single submitter. Criteria: ACMG Guidelines, 2015. Collection method: clinical testing. Allele origin: germline.

Genome-Nilou Lab
Classification: Likely benign for Fibromatosis, gingival, 1. Review status: criteria provided, single submitter. Criteria: ACMG Guidelines, 2015. Collection method: clinical testing. Allele origin: germline.

Literature cited by the submitters: PubMed 21387466 (cited by Women's Health and Genetics/Laboratory Corporation of America, LabCorp and Laboratory for Molecular Medicine, Mass General Brigham Personalized Medicine).

NM_005633.4(SOS1):c.3357C>T (p.Thr1119=)

Gene: SOS1 (SOS Ras/Rac guanine nucleotide exchange factor 1; minus strand). Cytogenetic location: 2p22.1.
Variant type: single nucleotide variant.
Coding change: c.3357C>T on transcript NM_005633.4 (MANE Select); coding-DNA position 3357, C replaced by T.
Protein change: p.Thr1119=; no amino-acid change (threonine 1119 retained).
Molecular consequence: synonymous variant. On other transcripts: intron variant (1).
Genome position (GRCh38, 1-based): chr2:38,989,304, G>A on the plus strand (C>T on the coding strand, the complement: SOS1 is on the minus strand). VCF-style: chr2-38989304-G-A. GRCh37 (hg19) VCF-style: chr2-39216445-G-A.
Other names: c.3336C>T, p.Thr1112= (NM_001382394.1); c.3347-1713C>T (NM_001382395.1).
Identifiers: ClinVar variation 45360 (VCV000045360.22), dbSNP rs373319212, ClinGen allele CA136135.